The following is an entry in ClinVar:

ClinVar aggregate classification (germline): Uncertain significance (1 of 4 stars; one submission).

Submission:

Ambry Genetics
Classification: Uncertain significance. Last evaluated: 2025-12-16. Review status: criteria provided, single submitter. Criteria: Ambry Variant Classification Scheme 2023. Collection method: clinical testing. Allele origin: germline.
Comment: The p.S1087F variant (also known as c.3260C>T), located in coding exon 20 of the PKP4 gene, results from a C to T substitution at nucleotide position 3260. The serine at codon 1087 is replaced by phenylalanine, an amino acid with highly dissimilar properties. This amino acid position is conserved. In addition, the in silico prediction for this alteration is inconclusive. Based on the available evidence, the clinical significance of this variant remains unclear.

NM_003628.6(PKP4):c.3260C>T (p.Ser1087Phe)

Genes: PKP4 (plakophilin 4; plus strand), PKP4-AS1 (PKP4 antisense RNA 1; minus strand). Cytogenetic location: 2q24.1.
Variant type: single nucleotide variant.
Coding change: c.3260C>T on transcript NM_003628.6 (MANE Select); coding-DNA position 3260, C replaced by T.
Protein change: p.Ser1087Phe; replaces serine 1087 with phenylalanine.
Molecular consequence: missense variant.
Genome position (GRCh38, 1-based): chr2:158,678,584, C>T. VCF-style: chr2-158678584-C-T. GRCh37 (hg19) VCF-style: chr2-159535096-C-T.
Other names: c.3131C>T, p.Ser1044Phe (NM_001005476.4, NM_001377225.1); c.3257C>T, p.Ser1086Phe (NM_001304969.3, NM_001377219.1, NM_001377220.1 and 1 more transcripts); c.2231C>T, p.Ser744Phe (NM_001304970.3); c.3260C>T, p.Ser1087Phe (NM_001377218.1); c.3254C>T, p.Ser1085Phe (NM_001377222.1, NM_001377223.1); c.3251C>T, p.Ser1084Phe (NM_001377224.1); c.3128C>T, p.Ser1043Phe (NM_001377226.1); short protein forms S1085F, S744F, S1043F, S1044F, S1084F, S1087F, S1086F.
Identifiers: ClinVar variation 4841529 (VCV004841529.1).
Genomic context (GRCh38, chr2:158,678,584, plus strand): 5'-CCTAATGGACCAGAGTAATAAGCACTAGTTTTAATTTCATAAAATATTTTCTTACAGGCT[C>T]CAGCAAACCTTCACCAATTTACATCAGTTCCTATTCCTCACCAGCAAGAGAACAAAATAG-3'
Protein context (NP_003619.2, residues 1077-1097): DATHKGLYPG[Ser1087Phe]SKPSPIYISS